The following is an entry in ClinVar:

NM_020987.5(ANK3):c.7673G>A (p.Arg2558His)

Gene: ANK3 (ankyrin 3; minus strand). Cytogenetic location: 10q21.2.
Variant type: single nucleotide variant.
Coding change: c.7673G>A on transcript NM_020987.5 (MANE Select); coding-DNA position 7673, G replaced by A.
Protein change: p.Arg2558His; replaces arginine 2558 with histidine.
Molecular consequence: missense variant. On other transcripts: intron variant (4).
Genome position (GRCh38, 1-based): chr10:60,073,208, C>T on the plus strand (G>A on the coding strand, the complement: ANK3 is on the minus strand). VCF-style: chr10-60073208-C-T. GRCh37 (hg19) VCF-style: chr10-61832966-C-T.
Other names: c.4388-5199G>A (NM_001204403.2); c.4409-5199G>A (NM_001204404.2); c.4406-5199G>A (NM_001320874.2); c.1808-5199G>A (NM_001149.4); short protein forms R2558H.
Identifiers: ClinVar variation 3607439 (VCV003607439.2).

ClinVar aggregate classification (germline): Uncertain significance (1 of 4 stars; one submission).

gnomAD v4.1: 54 of 1,613,982 alleles (0.0033%); highest among the groups gnomAD compares: South Asian, 0.022%; no homozygotes.

Submission:

Labcorp Genetics (formerly Invitae), Labcorp
Classification: Uncertain significance. Last evaluated: 2024-07-06. Review status: criteria provided, single submitter. Criteria: Invitae Variant Classification Sherloc (09022015). Collection method: clinical testing. Allele origin: germline.
Comment: This sequence change replaces arginine, which is basic and polar, with histidine, which is basic and polar, at codon 2558 of the ANK3 protein (p.Arg2558His). This variant is present in population databases (rs761833443, gnomAD 0.02%). This missense change has been observed in individual(s) with autism and/or developmental disorders (PMID: 33057194, 35982159). Advanced modeling of protein sequence and biophysical properties (such as structural, functional, and spatial information, amino acid conservation, physicochemical variation, residue mobility, and thermodynamic stability) performed at Invitae indicates that this missense variant is not expected to disrupt ANK3 protein function with a negative predictive value of 80%. In summary, the available evidence is currently insufficient to determine the role of this variant in disease. Therefore, it has been classified as a Variant of Uncertain Significance.

Literature cited by the submitters: PubMed 33057194; PubMed 35982159.